The following is an entry in ClinVar:

NM_000390.4(CHM):c.1604dup (p.Ile536fs)

Gene: CHM (CHM Rab escort protein; minus strand). Cytogenetic location: Xq21.2.
Variant type: Duplication.
Coding change: c.1604dup on transcript NM_000390.4 (MANE Select); coding-DNA position 1604, one base duplicated (A; older notation c.1604dupA).
Protein change: p.Ile536fs; shifts the reading frame from isoleucine 536.
Molecular consequence: frameshift variant.
Genome position (GRCh38, 1-based): chrX:85,878,970, T duplicated on the plus strand (A on the coding strand, the reverse complement: CHM is on the minus strand). VCF-style (leftmost placement, unchanged base first): chrX-85878969-C-CT. GRCh37 (hg19) VCF-style: chrX-85133974-C-CT.
Other names: c.1160dup, p.Ile388fs (NM_001320959.1, NM_001362517.1, NM_001362518.2 and 1 more transcripts); short protein forms I388fs, I536fs.
Identifiers: ClinVar variation 3906225 (VCV003906225.2).

ClinVar aggregate classification (germline): Likely pathogenic (1 of 4 stars; one submission).

Conditions:
CHM-related disorders.
Choroideremia. Also called: Chorioretinal scalloped atrophy. Identifiers: Orphanet 180, MedGen C0008525, MONDO:0010557, OMIM 303100, HP:0001139.

Submission:

Blueprint Genetics
Classification: Likely pathogenic for CHM-related disorders. Last evaluated: 2023-07-27. Review status: criteria provided, single submitter. Criteria: ACMG Guidelines, 2015. Collection method: clinical testing. Allele origin: germline. Affected: yes. Observed: 1 variant allele.